The following is an entry in ClinVar:

NM_001193329.3(AOPEP):c.1942T>C (p.Tyr648His)

Gene: AOPEP (aminopeptidase O (putative); plus strand). Cytogenetic location: 9q22.32.
Variant type: single nucleotide variant.
Coding change: c.1942T>C on transcript NM_001193329.3 (MANE Select); coding-DNA position 1942, T replaced by C.
Protein change: p.Tyr648His; replaces tyrosine 648 with histidine.
Molecular consequence: missense variant. On other transcripts: non-coding transcript variant (6).
Genome position (GRCh38, 1-based): chr9:94,979,392, T>C. VCF-style: chr9-94979392-T-C. GRCh37 (hg19) VCF-style: chr9-97741674-T-C.
Other names: c.652T>C, p.Tyr218His (NM_001386061.1); c.1621T>C, p.Tyr541His (NM_001386062.2); c.1942T>C, p.Tyr648His (NM_001386063.2, NM_001386066.1, NM_001386068.1 and 4 more transcripts); c.1390T>C, p.Tyr464His (NM_001386067.1); c.1645T>C, p.Tyr549His (NM_001386069.1, NM_032823.6); short protein forms Y218H, Y464H, Y541H, Y549H, Y648H.
Identifiers: ClinVar variation 4873490 (VCV004873490.2).

ClinVar aggregate classification (germline): Uncertain significance (1 of 4 stars; one submission).

Submission:

CeGaT Center for Human Genetics Tuebingen
Classification: Uncertain significance. Last evaluated: 2026-06-01. Review status: criteria provided, single submitter. Criteria: CeGaT Center For Human Genetics Tuebingen Variant Classification Criteria Version 2. Collection method: clinical testing. Allele origin: germline. Affected: yes. Observed: 1 variant allele.
Comment: AOPEP: PM2, BP4